The following is an entry in ClinVar:

NM_006383.4(CIB2):c.347-2A>C

Gene: CIB2 (calcium and integrin binding family member 2; minus strand). Cytogenetic location: 15q25.1.
Variant type: single nucleotide variant.
Coding change: c.347-2A>C on transcript NM_006383.4 (MANE Select); the canonical splice acceptor site of the intron before coding-DNA position 347, A replaced by C.
Molecular consequence: splice acceptor variant.
Genome position (GRCh38, 1-based): chr15:78,105,936, T>G on the plus strand (A>C on the coding strand, the complement: CIB2 is on the minus strand). VCF-style: chr15-78105936-T-G. GRCh37 (hg19) VCF-style: chr15-78398278-T-G.
Other names: c.200-2A>C (NM_001271889.2); c.218-2A>C (NM_001271888.2); c.362-2A>C (NM_001301224.2).
Identifiers: ClinVar variation 2430854 (VCV002430854.1), dbSNP rs1363188459, ClinGen allele CA393546012.

ClinVar aggregate classification (germline): Likely pathogenic (1 of 4 stars; one submission).

Allele frequency attached by ClinVar (database versions not stated): gnomAD 0.00001.
gnomAD v4.1: 1 of 1,613,712 alleles (0.000062%); highest among the groups gnomAD compares: African/African-American, 0.0013%; no homozygotes.

Submission:

GeneDx
Classification: Likely pathogenic. Last evaluated: 2022-03-03. Review status: criteria provided, single submitter. Criteria: GeneDx Variant Classification Process June 2021. Collection method: clinical testing. Allele origin: germline. Affected: yes.
Comment: Canonical splice site variant predicted to result in a null allele in a gene for which loss-of-function is a known mechanism of disease; Not observed at significant frequency in large population cohorts (gnomAD); Has not been previously published as pathogenic or benign to our knowledge